The following is an entry in ClinVar:

ClinVar aggregate classification (germline): Likely benign. Review status: criteria provided, multiple submitters, no conflicts (2 of 4 stars). 2 submissions from 2 submitters: Likely benign (2). Last evaluated 2025-08-07.

Conditions:
Senior-Loken syndrome 7 (SLSN7). Identifiers: Orphanet 3156, MedGen C3150877, MONDO:0013326, OMIM 613615.
Bardet-Biedl syndrome 16 (BBS16). Identifiers: Orphanet 110, MedGen C3889474, MONDO:0014444, OMIM 615993.
SDCCAG8-related disorder. Also called: SDCCAG8-Related Disorders; SDCCAG8-related condition.

Allele frequency attached by ClinVar (database versions not stated): gnomAD exomes below 0.00001; gnomAD 0.00001.
gnomAD v4.1: 7 of 1,614,048 alleles (0.00043%); highest among the groups gnomAD compares: Non-Finnish European, 0.00059%; no homozygotes.

Submissions (2):

PreventionGenetics, part of Exact Sciences
Classification: Likely benign for SDCCAG8-related condition. Last evaluated: 2025-08-07. Review status: criteria provided, single submitter. Criteria: ACMG Guidelines, 2015. Collection method: clinical testing. Allele origin: germline.
Comment: This variant is classified as likely benign based on ACMG/AMP sequence variant interpretation guidelines (Richards et al. 2015 PMID: 25741868, with internal and published modifications).

Labcorp Genetics (formerly Invitae), Labcorp
Classification: Likely benign for Bardet-Biedl syndrome 16; Senior-Loken syndrome 7. Last evaluated: 2024-05-20. Review status: criteria provided, single submitter. Criteria: Invitae Variant Classification Sherloc (09022015). Collection method: clinical testing. Allele origin: germline.

NM_006642.5(SDCCAG8):c.933A>G (p.Glu311=)

Gene: SDCCAG8 (SHH signaling and ciliogenesis regulator SDCCAG8; plus strand). Cytogenetic location: 1q43.
Variant type: single nucleotide variant.
Coding change: c.933A>G on transcript NM_006642.5 (MANE Select); coding-DNA position 933, A replaced by G.
Protein change: p.Glu311=; no amino-acid change (glutamic acid 311 retained).
Molecular consequence: synonymous variant.
Genome position (GRCh38, 1-based): chr1:243,316,758, A>G. VCF-style: chr1-243316758-A-G. GRCh37 (hg19) VCF-style: chr1-243480060-A-G.
Other names: c.933A>G (NM_006642.3); c.30A>G, p.Glu10= (NM_001350246.2, NM_001350247.2, NM_001350251.2); c.1029A>G, p.Glu343= (NM_001350248.2); c.639A>G, p.Glu213= (NM_001350249.2).
Identifiers: ClinVar variation 2953390 (VCV002953390.4), dbSNP rs1380704597, ClinGen allele CA424105416.